The following is an entry in ClinVar:

ClinVar aggregate classification (germline): Uncertain significance. Review status: criteria provided, multiple submitters, no conflicts (2 of 4 stars). 2 submissions from 2 submitters: Uncertain significance (2). Last evaluated 2024-12-20.

Allele frequency attached by ClinVar (database versions not stated): gnomAD exomes below 0.00001.
gnomAD v4.1: 7 of 1,613,684 alleles (0.00043%); highest among the groups gnomAD compares: Non-Finnish European, 0.00051%; no homozygotes.

Submissions (2):

Ambry Genetics
Classification: Uncertain significance. Last evaluated: 2024-12-20. Review status: criteria provided, single submitter. Criteria: Ambry Variant Classification Scheme 2023. Collection method: clinical testing. Allele origin: germline.

Labcorp Genetics (formerly Invitae), Labcorp
Classification: Uncertain significance. Last evaluated: 2023-10-04. Review status: criteria provided, single submitter. Criteria: Invitae Variant Classification Sherloc (09022015). Collection method: clinical testing. Allele origin: germline.
Comment: This sequence change replaces lysine, which is basic and polar, with arginine, which is basic and polar, at codon 1343 of the MYH7B protein (p.Lys1343Arg). This variant is not present in population databases (gnomAD no frequency). This variant has not been reported in the literature in individuals affected with MYH7B-related conditions. Advanced modeling of protein sequence and biophysical properties (such as structural, functional, and spatial information, amino acid conservation, physicochemical variation, residue mobility, and thermodynamic stability) performed at Invitae indicates that this missense variant is not expected to disrupt MYH7B protein function. In summary, the available evidence is currently insufficient to determine the role of this variant in disease. Therefore, it has been classified as a Variant of Uncertain Significance.

NM_020884.7(MYH7B):c.3902A>G (p.Lys1301Arg)

Gene: MYH7B (myosin heavy chain 7B; plus strand). Cytogenetic location: 20q11.22.
Variant type: single nucleotide variant.
Coding change: c.3902A>G on transcript NM_020884.7 (MANE Select); coding-DNA position 3902, A replaced by G.
Protein change: p.Lys1301Arg; replaces lysine 1301 with arginine.
Molecular consequence: missense variant.
Genome position (GRCh38, 1-based): chr20:34,998,538, A>G. VCF-style: chr20-34998538-A-G. GRCh37 (hg19) VCF-style: chr20-33586341-A-G.
Other names: c.4028A>G (NM_020884.3); short protein forms K1301R.
Identifiers: ClinVar variation 2790370 (VCV002790370.4), dbSNP rs2082306648, ClinGen allele CA408712793.